The following is an entry in ClinVar:

NM_001365276.2(TNXB):c.7907T>G (p.Met2636Arg)

Gene: TNXB (tenascin XB; minus strand). Cytogenetic location: 6p21.33.
Variant type: single nucleotide variant.
Coding change: c.7907T>G on transcript NM_001365276.2 (MANE Select); coding-DNA position 7907, T replaced by G.
Protein change: p.Met2636Arg; replaces methionine 2636 with arginine.
Molecular consequence: missense variant.
Genome position (GRCh38, 1-based): chr6:32,056,822, A>C on the plus strand (T>G on the coding strand, the complement: TNXB is on the minus strand). VCF-style: chr6-32056822-A-C. GRCh37 (hg19) VCF-style: chr6-32024599-A-C.
Other names: c.8648T>G, p.Met2883Arg (NM_001428335.1); c.7907T>G, p.Met2636Arg (NM_019105.8); c.7907T>G (NM_019105.6); short protein forms M2636R, M2883R.
Identifiers: ClinVar variation 4689471 (VCV004689471.2).
Genomic context (GRCh38, chr6:32,056,822, plus strand): 5'-TCAAACTGGCCCTCGGGAACCGTCCAGGACAGGCTGAGGGAGTCAGGGGTGGCATCTGTC[A>C]TGGTCAGCTCCCCCAGGCGAGGCTTGATGGGGGGCTCAGGGGTCATGGTAGGCACTGCTT-3'
Protein context (NP_001352205.1, residues 2626-2646): PIKPRLGELT[Met2636Arg]TDATPDSLSL

ClinVar aggregate classification (germline): Uncertain significance. Review status: criteria provided, multiple submitters, no conflicts (2 of 4 stars). 2 submissions from 2 submitters: Uncertain significance (2). Last evaluated 2026-04-17.

Conditions:
TNXB-related disorder. Also called: TNXB-related condition.

Submissions (2):

PreventionGenetics, part of Exact Sciences
Classification: Uncertain significance for TNXB-related condition. Last evaluated: 2026-04-17. Review status: criteria provided, single submitter. Criteria: ACMG Guidelines, 2015. Collection method: clinical testing. Allele origin: germline.
Comment: The TNXB c.7907T>G variant is predicted to result in the amino acid substitution p.Met2636Arg. To our knowledge, this variant has not been reported in the literature. This variant is reported in 0.00090% of alleles in individuals of European (Non-Finnish) descent in gnomAD. At this time, the clinical significance of this variant is uncertain due to the absence of conclusive functional and genetic evidence.

Women's Health and Genetics/Laboratory Corporation of America, LabCorp
Classification: Uncertain significance. Last evaluated: 2026-01-12. Review status: criteria provided, single submitter. Criteria: LabCorp Variant Classification Summary - May 2015. Collection method: clinical testing. Allele origin: germline.
Comment: Variant summary: TNXB c.7907T>G (p.Met2636Arg) results in a non-conservative amino acid change in the encoded protein sequence. Algorithms developed to predict the effect of missense changes on protein structure and function are either unavailable or do not agree on the potential impact of this missense change. The variant allele was found at a frequency of 4e-06 in 246938 control chromosomes. The available data on variant occurrences in the general population are insufficient to allow any conclusion about variant significance. To our knowledge, no occurrence of c.7907T>G in individuals affected with TNXB-related conditions and no experimental evidence demonstrating its impact on protein function have been reported. No submitters have cited clinical-significance assessments for this variant to ClinVar. Based on the evidence outlined above, the variant was classified as uncertain significance.